The following is an entry in ClinVar:

ClinVar aggregate classification (germline): Uncertain significance. Review status: criteria provided, multiple submitters, no conflicts (2 of 4 stars). 2 submissions from 2 submitters: Uncertain significance (2). Last evaluated 2024-12-26.

Conditions:
Mitochondrial DNA depletion syndrome 9 (MTDPS9). Also called: SUCLG1-Related Mitochondrial DNA Depletion Syndrome, Encephalomyopathic Form with Methylmalonic Aciduria. Identifiers: Orphanet 17, MedGen C3151476, MONDO:0009504, OMIM 245400.

Allele frequency attached by ClinVar (database versions not stated): ExAC 0.00002; gnomAD 0.00003; gnomAD exomes 0.00003; TOPMed 0.00004.

Submissions (2):

Labcorp Genetics (formerly Invitae), Labcorp
Classification: Uncertain significance for Mitochondrial DNA depletion syndrome 9. Last evaluated: 2024-12-26. Review status: criteria provided, single submitter. Criteria: Invitae Variant Classification Sherloc (09022015). Collection method: clinical testing. Allele origin: germline.
Comment: This sequence change replaces proline, which is neutral and non-polar, with serine, which is neutral and polar, at codon 88 of the SUCLG1 protein (p.Pro88Ser). This variant is present in population databases (rs751480162, gnomAD 0.007%). This variant has not been reported in the literature in individuals affected with SUCLG1-related conditions. ClinVar contains an entry for this variant (Variation ID: 1031363). Invitae Evidence Modeling of protein sequence and biophysical properties (such as structural, functional, and spatial information, amino acid conservation, physicochemical variation, residue mobility, and thermodynamic stability) has been performed for this missense variant. However, the output from this modeling did not meet the statistical confidence thresholds required to predict the impact of this variant on SUCLG1 protein function. In summary, the available evidence is currently insufficient to determine the role of this variant in disease. Therefore, it has been classified as a Variant of Uncertain Significance.

Baylor Genetics
Classification: Uncertain significance for Mitochondrial DNA depletion syndrome 9. Last evaluated: 2018-09-27. Review status: criteria provided, single submitter. Criteria: ACMG Guidelines, 2015. Collection method: clinical testing. Allele origin: paternal. Affected: yes.
Comment: This variant was determined to be of uncertain significance according to ACMG Guidelines, 2015 [PMID:25741868].

NM_003849.4(SUCLG1):c.262C>T (p.Pro88Ser)

Gene: SUCLG1 (succinate-CoA ligase GDP/ADP-forming subunit alpha; minus strand). Cytogenetic location: 2p11.2.
Variant type: single nucleotide variant.
Coding change: c.262C>T on transcript NM_003849.4 (MANE Select); coding-DNA position 262, C replaced by T.
Protein change: p.Pro88Ser; replaces proline 88 with serine.
Molecular consequence: missense variant.
Genome position (GRCh38, 1-based): chr2:84,443,340, G>A on the plus strand (C>T on the coding strand, the complement: SUCLG1 is on the minus strand). VCF-style: chr2-84443340-G-A. GRCh37 (hg19) VCF-style: chr2-84670464-G-A.
Other names: short protein forms P88S.
Identifiers: ClinVar variation 1031363 (VCV001031363.7), dbSNP rs751480162, ClinGen allele CA1736365.